The following is an entry in ClinVar:

ClinVar aggregate classification (germline): Uncertain significance (1 of 4 stars; one submission).

Conditions:
Werner syndrome (WRN). Identifiers: Orphanet 902, MedGen C0043119, MONDO:0010196, OMIM 277700.

Submission:

Labcorp Genetics (formerly Invitae), Labcorp
Classification: Uncertain significance for Werner syndrome. Last evaluated: 2019-05-05. Review status: criteria provided, single submitter. Criteria: Invitae Variant Classification Sherloc (09022015). Collection method: clinical testing. Allele origin: germline.
Comment: Algorithms developed to predict the effect of missense changes on protein structure and function are either unavailable or do not agree on the potential impact of this missense change (SIFT: Not Available; PolyPhen-2: "Probably Damaging"; Align-GVGD: Not Available). In summary, the available evidence is currently insufficient to determine the role of this variant in disease. Therefore, it has been classified as a Variant of Uncertain Significance. This variant has not been reported in the literature in individuals with WRN-related conditions. This variant is not present in population databases (ExAC no frequency). This sequence change replaces glutamine with histidine at codon 605 of the WRN protein (p.Gln605His). The glutamine residue is highly conserved and there is a small physicochemical difference between glutamine and histidine.

NM_000553.6(WRN):c.1815A>T (p.Gln605His)

Gene: WRN (WRN RecQ like helicase; plus strand). Cytogenetic location: 8p12.
Variant type: single nucleotide variant.
Coding change: c.1815A>T on transcript NM_000553.6 (MANE Select); coding-DNA position 1815, A replaced by T.
Protein change: p.Gln605His; replaces glutamine 605 with histidine.
Molecular consequence: missense variant.
Genome position (GRCh38, 1-based): chr8:31,090,928, A>T. VCF-style: chr8-31090928-A-T. GRCh37 (hg19) VCF-style: chr8-30948444-A-T.
Other names: short protein forms Q605H.
Identifiers: ClinVar variation 950076 (VCV000950076.5), dbSNP rs1813724706, ClinGen allele CA370928170.